The following is an entry in ClinVar:

ClinVar aggregate classification (germline): Uncertain significance (1 of 4 stars; one submission).

Conditions:
Bethlem myopathy 1A. Also called: Bethlem myopathy 1; MYOPATHY, BENIGN CONGENITAL, WITH CONTRACTURES; Bethlem Muscular Dystrophy. Identifiers: Orphanet 610, MedGen CN029274, MONDO:0024530, OMIM 158810.

gnomAD v4.1: 2 of 1,614,140 alleles (0.00012%); highest among the groups gnomAD compares: African/African-American, 0.0013%; no homozygotes.

Submission:

Labcorp Genetics (formerly Invitae), Labcorp
Classification: Uncertain significance for Bethlem myopathy 1A. Last evaluated: 2024-08-17. Review status: criteria provided, single submitter. Criteria: Invitae Variant Classification Sherloc (09022015). Collection method: clinical testing. Allele origin: germline.
Comment: This sequence change replaces isoleucine, which is neutral and non-polar, with threonine, which is neutral and polar, at codon 577 of the COL6A3 protein (p.Ile577Thr). This variant is not present in population databases (gnomAD no frequency). This variant has not been reported in the literature in individuals affected with COL6A3-related conditions. Invitae Evidence Modeling of protein sequence and biophysical properties (such as structural, functional, and spatial information, amino acid conservation, physicochemical variation, residue mobility, and thermodynamic stability) indicates that this missense variant is not expected to disrupt COL6A3 protein function with a negative predictive value of 95%. In summary, the available evidence is currently insufficient to determine the role of this variant in disease. Therefore, it has been classified as a Variant of Uncertain Significance.

NM_004369.4(COL6A3):c.1730T>C (p.Ile577Thr)

Gene: COL6A3 (collagen type VI alpha 3 chain; minus strand). Cytogenetic location: 2q37.3.
Variant type: single nucleotide variant.
Coding change: c.1730T>C on transcript NM_004369.4 (MANE Select); coding-DNA position 1730, T replaced by C.
Protein change: p.Ile577Thr; replaces isoleucine 577 with threonine.
Molecular consequence: missense variant.
Genome position (GRCh38, 1-based): chr2:237,381,082, A>G on the plus strand (T>C on the coding strand, the complement: COL6A3 is on the minus strand). VCF-style: chr2-237381082-A-G. GRCh37 (hg19) VCF-style: chr2-238289725-A-G.
Other names: c.509T>C, p.Ile170Thr (NM_057164.5, NM_057166.5); c.1112T>C, p.Ile371Thr (NM_057165.5, NM_057167.4); short protein forms I170T, I371T, I577T.
Identifiers: ClinVar variation 3616278 (VCV003616278.2).